The following is an entry in ClinVar:

ClinVar aggregate classification (germline): Uncertain significance (1 of 4 stars; one submission).

Submission:

Ambry Genetics
Classification: Uncertain significance. Last evaluated: 2025-01-06. Review status: criteria provided, single submitter. Criteria: Ambry Variant Classification Scheme 2023. Collection method: clinical testing. Allele origin: germline.
Comment: The p.P127S variant (also known as c.379C>T), located in coding exon 3 of the GEN1 gene, results from a C to T substitution at nucleotide position 379. The proline at codon 127 is replaced by serine, an amino acid with similar properties. This amino acid position is conserved. In addition, the in silico prediction for this alteration is inconclusive. Based on the available evidence, the clinical significance of this variant remains unclear.

NM_001130009.3(GEN1):c.379C>T (p.Pro127Ser)

Gene: GEN1 (GEN1 Holliday junction 5' flap endonuclease; plus strand). Cytogenetic location: 2p24.2.
Variant type: single nucleotide variant.
Coding change: c.379C>T on transcript NM_001130009.3 (MANE Select); coding-DNA position 379, C replaced by T.
Protein change: p.Pro127Ser; replaces proline 127 with serine.
Molecular consequence: missense variant.
Genome position (GRCh38, 1-based): chr2:17,764,927, C>T. VCF-style: chr2-17764927-C-T. GRCh37 (hg19) VCF-style: chr2-17946194-C-T.
Other names: c.379C>T, p.Pro127Ser (NM_182625.5); short protein forms P127S.
Identifiers: ClinVar variation 3853486 (VCV003853486.1).
Genomic context (GRCh38, chr2:17,764,927, plus strand): 5'-TAACATCTTGCACCTGCTTTTTGTTTTCAGTGCCTCCATATGCTCGAATGCTTAGGAATC[C>T]CCTGGGTTCAGGCTGCTGGGGAAGCTGAAGCCATGTGTGCTTATCTCAATGCTGGTGGTC-3'
Protein context (NP_001123481.3, residues 117-137): CLHMLECLGI[Pro127Ser]WVQAAGEAEA